The following is an entry in ClinVar:

NM_053004.3(GNB1L):c.12del (p.Cys5fs)

Gene: GNB1L (G protein subunit beta 1 like; minus strand). Cytogenetic location: 22q11.21.
Variant type: Deletion.
Coding change: c.12del on transcript NM_053004.3 (MANE Select); coding-DNA position 12, one base deleted (C; older notation c.12delC).
Protein change: p.Cys5fs; shifts the reading frame from cysteine 5.
Molecular consequence: frameshift variant.
Genome position (GRCh38, 1-based): chr22:19,821,344, G deleted on the plus strand (C on the coding strand, the reverse complement: GNB1L is on the minus strand); the first of 5 consecutive G bases (chr22:19,821,344-19,821,348); deleting any one gives the same sequence. VCF-style (leftmost placement, unchanged base first): chr22-19821343-AG-A. GRCh37 (hg19) VCF-style: chr22-19808866-AG-A.
Other names: short protein forms C5fs.
Identifiers: ClinVar variation 504427 (VCV000504427.2), dbSNP rs1555901417, ClinGen allele CA658799492.

ClinVar aggregate classification (germline): Uncertain significance (1 of 4 stars; one submission).

Submission:

GeneDx
Classification: Uncertain significance. Last evaluated: 2018-02-23. Review status: criteria provided, single submitter. Criteria: GeneDx Variant Classification (06012015). Collection method: clinical testing. Allele origin: germline. Affected: yes.
Comment: The c.12delC variant in the GNB1L gene has not been reported previously as a pathogenic variant nor as a benign variant, to our knowledge. The c.12delC variant causes a frameshift starting with codon Cysteine 5, changes this amino acid to an Alanine residue, and creates a premature Stop codon at position 67 of the new reading frame, denoted p.Cys5AlafsX67. This variant is predicted to cause loss of normal protein function either through protein truncation or nonsense-mediated mRNA decay, however, loss-of-function is not a known mechanism of disease for the GNB1L gene. The c.12delC variant is not observed in large population cohorts (Lek et al., 2016). We interpret c.12delC as a variant of uncertain significance.